The following is an entry in ClinVar:

ClinVar aggregate classification (germline): Uncertain significance. Review status: criteria provided, multiple submitters, no conflicts (2 of 4 stars). 3 submissions from 3 submitters: Uncertain significance (3). Last evaluated 2025-05-05.

Conditions:
Inborn genetic diseases. Identifiers: MedGen C0950123, MeSH D030342.
Developmental disorder. Identifiers: MedGen C0008073.

gnomAD v4.1: 1 of 1,613,832 alleles (0.000062%); highest among the groups gnomAD compares: Non-Finnish European, 0.000085%; no homozygotes.

Submissions (3):

Ambry Genetics
Classification: Uncertain significance for Inborn genetic diseases. Last evaluated: 2025-05-05. Review status: criteria provided, single submitter. Criteria: Ambry Variant Classification Scheme 2023. Collection method: clinical testing. Allele origin: germline.

CeGaT Center for Human Genetics Tuebingen
Classification: Uncertain significance. Last evaluated: 2023-01-01. Review status: criteria provided, single submitter. Criteria: CeGaT Center For Human Genetics Tuebingen Variant Classification Criteria Version 2. Collection method: clinical testing. Allele origin: germline. Affected: yes. Observed: 1 variant allele.
Comment: ASXL2: PM2, BP4

Department of Genetics, Rouen University Hospital, Normandy Center for Genomic and Personalized Medicine
Classification: Uncertain significance for Developmental disorder. Last evaluated: 2022-12-16. Review status: criteria provided, single submitter. Criteria: ACMG Guidelines, 2015. Collection method: clinical testing. Allele origin: maternal. Affected: yes.

NM_018263.6(ASXL2):c.607A>C (p.Ser203Arg)

Gene: ASXL2 (ASXL transcriptional regulator 2; minus strand). Cytogenetic location: 2p23.3.
Variant type: single nucleotide variant.
Coding change: c.607A>C on transcript NM_018263.6 (MANE Select); coding-DNA position 607, A replaced by C.
Protein change: p.Ser203Arg; replaces serine 203 with arginine.
Molecular consequence: missense variant. On other transcripts: 5 prime UTR variant (1).
Genome position (GRCh38, 1-based): chr2:25,768,766, T>G on the plus strand (A>C on the coding strand, the complement: ASXL2 is on the minus strand). VCF-style: chr2-25768766-T-G. GRCh37 (hg19) VCF-style: chr2-25991635-T-G.
Other names: c.433A>C, p.Ser145Arg (NM_001369346.1); c.-174A>C (NM_001369347.1); short protein forms S145R, S203R.
Identifiers: ClinVar variation 2429974 (VCV002429974.26), dbSNP rs1262911220, ClinGen allele CA346082108.